The following is an entry in ClinVar:

ClinVar aggregate classification (germline): Benign (1 of 4 stars; one submission).

Conditions:
MELAS syndrome (MELAS). Also called: Juvenile myopathy, encephalopathy, lactic acidosis, stroke. Identifiers: Orphanet 550, MedGen C0162671, MONDO:0010789, OMIM 540000.

Submission:

Wong Mito Lab, Molecular and Human Genetics, Baylor College of Medicine
Classification: Benign for MELAS syndrome. Last evaluated: 2019-07-12. Review status: criteria provided, single submitter. Criteria: Modified ACMG Guidelines (Unpublished). Collection method: clinical testing. Allele origin: germline.
Comment: The NC_012920.1:m.5823A>G variant in MT-TC gene is interpreted to be a Benign variant based on the modified ACMG guidelines (unpublished). This variant meets the following evidence codes reported in the guidelines: BS1, BS2, BP4

Literature cited by the submitters: PubMed 31965079.

NC_012920.1(MT-TC):m.5823A>G

Gene: MT-TC (mitochondrially encoded tRNA cysteine; minus strand).
Variant type: single nucleotide variant.
Genome position: chrM-5823-A-G.
Identifiers: ClinVar variation 690007 (VCV000690007.1), dbSNP rs878875817, ClinGen allele CA337097255.